The following is an entry in ClinVar:

NM_001035.3(RYR2):c.6697G>A (p.Ala2233Thr)

Gene: RYR2 (ryanodine receptor 2; plus strand). Cytogenetic location: 1q43.
Variant type: single nucleotide variant.
Coding change: c.6697G>A on transcript NM_001035.3 (MANE Select); coding-DNA position 6697, G replaced by A.
Protein change: p.Ala2233Thr; replaces alanine 2233 with threonine.
Molecular consequence: missense variant.
Genome position (GRCh38, 1-based): chr1:237,634,897, G>A. VCF-style: chr1-237634897-G-A. GRCh37 (hg19) VCF-style: chr1-237798197-G-A.
Other names: c.6697G>A (NM_001035.2); short protein forms A2233T.
Identifiers: ClinVar variation 927191 (VCV000927191.6), dbSNP rs1160549985, ClinGen allele CA345394471.

ClinVar aggregate classification (germline): Uncertain significance. Review status: criteria provided, multiple submitters, no conflicts (2 of 4 stars). 3 submissions from 3 submitters: Uncertain significance (3). Last evaluated 2025-02-26.

Conditions:
Cardiovascular phenotype. Identifiers: MedGen CN230736.
Cardiomyopathy (CMYO). Also called: Cardiomyopathies. Identifiers: Orphanet 167848, MedGen C0878544, MONDO:0004994, HP:0001638. Inheritance: Various modes of inheritance.
Catecholaminergic polymorphic ventricular tachycardia (CVPT). Also called: Catecholamine-induced polymorphic ventricular tachycardia. Identifiers: Orphanet 3286, MedGen C5574922, MONDO:0017990.

Allele frequency attached by ClinVar (database versions not stated): gnomAD exomes below 0.00001.
gnomAD v4.1: 5 of 1,605,930 alleles (0.00031%); highest among the groups gnomAD compares: Non-Finnish European, 0.00043%; no homozygotes.

Submissions (3):

Ambry Genetics
Classification: Uncertain significance for Cardiovascular phenotype. Last evaluated: 2025-02-26. Review status: criteria provided, single submitter. Criteria: Ambry Variant Classification Scheme 2023. Collection method: clinical testing. Allele origin: germline.
Comment: The p.A2233T variant (also known as c.6697G>A), located in coding exon 44 of the RYR2 gene, results from a G to A substitution at nucleotide position 6697. The alanine at codon 2233 is replaced by threonine, an amino acid with similar properties. This amino acid position is not well conserved in available vertebrate species. In addition, the in silico prediction for this alteration is inconclusive. Based on the available evidence, the clinical significance of this variant remains unclear.

Color Diagnostics, LLC DBA Color Health
Classification: Uncertain significance for Cardiomyopathy. Last evaluated: 2024-03-06. Review status: criteria provided, single submitter. Criteria: ACMG Guidelines, 2015. Collection method: clinical testing. Allele origin: germline.
Comment: This variant is located in the RYR2 protein. Computational prediction suggests that this variant may not impact protein structure and function (internally defined REVEL score threshold <= 0.5, PMID: 27666373). To our knowledge, functional studies have not been reported for this variant. This variant has not been reported in individuals affected with cardiovascular disorders in the literature. This variant has not been identified in the general population by the Genome Aggregation Database (gnomAD). The available evidence is insufficient to determine the role of this variant in disease conclusively. Therefore, this variant is classified as a Variant of Uncertain Significance.

All of Us Research Program, National Institutes of Health
Classification: Uncertain significance for Catecholaminergic polymorphic ventricular tachycardia. Last evaluated: 2023-09-05. Review status: criteria provided, single submitter. Criteria: ACMG Guidelines, 2015. Collection method: clinical testing. Allele origin: germline. Inheritance: Autosomal dominant inheritance. Observed: 1 variant allele, 1 heterozygote.
Comment: This variant is located in the RYR2 protein. Computational prediction suggests that this variant may not impact protein structure and function (internally defined REVEL score threshold <= 0.5, PMID: 27666373). To our knowledge, functional studies have not been reported for this variant. This variant has not been reported in individuals affected with cardiovascular disorders in the literature. This variant has not been identified in the general population by the Genome Aggregation Database (gnomAD). The available evidence is insufficient to determine the role of this variant in disease conclusively. Therefore, this variant is classified as a Variant of Uncertain Significance.

This study involves interpretation of variants in research participants for the purpose of population health screening. Participant phenotype was not available at the time of variant classification. Additional details can be found in publication PMID: 35346344, PMCID: PMC8962531